The following is an entry in ClinVar:

NM_000038.6(APC):c.1561T>A (p.Ser521Thr)

Gene: APC (APC regulator of WNT signaling pathway; plus strand). Cytogenetic location: 5q22.2.
Variant type: single nucleotide variant.
Coding change: c.1561T>A on transcript NM_000038.6 (MANE Select); coding-DNA position 1561, T replaced by A.
Protein change: p.Ser521Thr; replaces serine 521 with threonine.
Molecular consequence: missense variant.
Genome position (GRCh38, 1-based): chr5:112,827,941, T>A. VCF-style: chr5-112827941-T-A. GRCh37 (hg19) VCF-style: chr5-112163638-T-A.
Other names: c.1561T>A, p.Ser521Thr (NM_001127510.3, NM_001354895.2, NM_001407450.1); c.1507T>A, p.Ser503Thr (NM_001127511.3); c.1615T>A, p.Ser539Thr (NM_001354896.2, NM_001407447.1, NM_001407448.1 and 1 more transcripts); c.1591T>A, p.Ser531Thr (NM_001354897.2); c.1486T>A, p.Ser496Thr (NM_001354898.2); c.1477T>A, p.Ser493Thr (NM_001354899.2); c.1438T>A, p.Ser480Thr (NM_001354900.2); c.1384T>A, p.Ser462Thr (NM_001354901.2, NM_001407453.1); and 11 more; short protein forms S137T, S238T, S361T, S392T, S395T, S420T, S430T, S438T.
Identifiers: ClinVar variation 3383686 (VCV003383686.1).

ClinVar aggregate classification (germline): Uncertain significance (1 of 4 stars; one submission).

Submission:

GeneDx
Classification: Uncertain significance. Last evaluated: 2024-05-30. Review status: criteria provided, single submitter. Criteria: GeneDx Variant Classification Process June 2021. Collection method: clinical testing. Allele origin: germline. Affected: yes.
Comment: Not observed at significant frequency in large population cohorts (gnomAD); In silico analysis indicates that this missense variant does not alter protein structure/function; Has not been previously published as pathogenic or benign to our knowledge; This variant is associated with the following publications: (PMID: 18199528)